The following is an entry in ClinVar:

NM_014049.5(ACAD9):c.1266_1270dup (p.Ile424fs)

Gene: ACAD9 (acyl-CoA dehydrogenase family member 9; plus strand). Cytogenetic location: 3q21.3.
Variant type: Duplication.
Coding change: c.1266_1270dup on transcript NM_014049.5 (MANE Select); coding-DNA positions 1266 to 1270, 5 bases duplicated (CCTCA; older notation c.1266_1270dupCCTCA).
Protein change: p.Ile424fs; shifts the reading frame from isoleucine 424.
Molecular consequence: frameshift variant. On other transcripts: non-coding transcript variant (1).
Genome position (GRCh38, 1-based): chr3:128,906,237-128,906,241, CCTCA duplicated. VCF-style (leftmost placement, unchanged base first): chr3-128906236-T-TCCTCA. GRCh37 (hg19) VCF-style: chr3-128625079-T-TCCTCA.
Other names: short protein forms I424fs.
Identifiers: ClinVar variation 1376308 (VCV001376308.6), dbSNP rs2107659593, ClinGen allele CA2573136491.

ClinVar aggregate classification (germline): Pathogenic (1 of 4 stars; one submission).

Submission:

Labcorp Genetics (formerly Invitae), Labcorp
Classification: Pathogenic. Last evaluated: 2024-10-12. Review status: criteria provided, single submitter. Criteria: Invitae Variant Classification Sherloc (09022015). Collection method: clinical testing. Allele origin: germline.
Comment: This sequence change creates a premature translational stop signal (p.Ile424Thrfs*17) in the ACAD9 gene. It is expected to result in an absent or disrupted protein product. Loss-of-function variants in ACAD9 are known to be pathogenic (PMID: 25721401). This variant is not present in population databases (gnomAD no frequency). This variant has not been reported in the literature in individuals affected with ACAD9-related conditions. ClinVar contains an entry for this variant (Variation ID: 1376308). For these reasons, this variant has been classified as Pathogenic.

Literature cited by the submitters: PubMed 25721401.